The following is an entry in ClinVar:

NM_201384.3(PLEC):c.3399+5C>T

Gene: PLEC (plectin; minus strand). Cytogenetic location: 8q24.3.
Variant type: single nucleotide variant.
Coding change: c.3399+5C>T on transcript NM_201384.3 (MANE Select); 5 bases into the intron after coding-DNA position 3399, C replaced by T.
Molecular consequence: intron variant.
Genome position (GRCh38, 1-based): chr8:143,927,849, G>A on the plus strand (C>T on the coding strand, the complement: PLEC is on the minus strand). VCF-style: chr8-143927849-G-A. GRCh37 (hg19) VCF-style: chr8-145002017-G-A.
Other names: c.3411+5C>T (NM_201383.3); c.3480+5C>T (NM_000445.5, NM_000445.3); c.3357+5C>T (NM_201378.4); c.3333+5C>T (NM_201379.3); c.3810+5C>T (NM_201380.4); c.3303+5C>T (NM_201381.3); c.3399+5C>T (NM_201382.4).
Identifiers: ClinVar variation 538997 (VCV000538997.9), dbSNP rs782197467, ClinGen allele CA4927100.
Genomic context (GRCh38, chr8:143,927,849, plus strand): 5'-GTGCGGCTTCAGCTGGGCCCGCTGTACCCCCACCCCGCCATGAAGCCCAAGCCTCGAAAC[G>A]ATACCTTCAGAGAGGCCTTGGTGGCCTCGAGCTCCGGGAGGGTGGCCGGCACGGCCTGGG-3'

ClinVar aggregate classification (germline): Uncertain significance. Review status: criteria provided, multiple submitters, no conflicts (2 of 4 stars). 2 submissions from 2 submitters: Uncertain significance (2). Last evaluated 2026-01-23.

Conditions:
Epidermolysis bullosa simplex with nail dystrophy (EBS5D). Identifiers: MedGen C4225309, MONDO:0014661, OMIM 616487.
Epidermolysis bullosa simplex 5B, with muscular dystrophy (EBS5B). Also called: EPIDERMOLYSIS BULLOSA SIMPLEX AND LIMB-GIRDLE MUSCULAR DYSTROPHY; Epidermolysis bullosa simplex with muscular dystrophy. Identifiers: Orphanet 257, MedGen C2931072, MONDO:0009181, OMIM 226670.
Epidermolysis bullosa simplex, Ogna type (EBS5A). Also called: Pidermolysis bullosa simplex 5A, Ogna type; EPIDERMOLYSIS BULLOSA SIMPLEX 5A, OGNA TYPE. Identifiers: Orphanet 79401, MedGen C0432317, MONDO:0007555, OMIM 131950.
Autosomal recessive limb-girdle muscular dystrophy type 2Q (LGMDR17). Also called: MUSCULAR DYSTROPHY, LIMB-GIRDLE, AUTOSOMAL RECESSIVE 17. Identifiers: Orphanet 254361, MedGen C3150989, MONDO:0013390, OMIM 613723.
Epidermolysis bullosa simplex 5C, with pyloric atresia (EBS5C). Also called: PLEC-Related Epidermolysis Bullosa with Pyloric Atresia; Epidermolysis bullosa simplex with pyloric atresia; PLEC1-Related Epidermolysis Bullosa with Pyloric Atresia. Identifiers: Orphanet 158684, MedGen C2677349, MONDO:0012807, OMIM 612138.

Allele frequency attached by ClinVar (database versions not stated): TOPMed 0.00002.
gnomAD v4.1: 67 of 1,590,502 alleles (0.0042%); highest among the groups gnomAD compares: Middle Eastern, 0.017%; no homozygotes.

Submissions (2):

Labcorp Genetics (formerly Invitae), Labcorp
Classification: Uncertain significance for Autosomal recessive limb-girdle muscular dystrophy type 2Q; Epidermolysis bullosa simplex, Ogna type; Epidermolysis bullosa simplex with nail dystrophy; Epidermolysis bullosa simplex 5C, with pyloric atresia; Epidermolysis bullosa simplex 5B, with muscular dystrophy. Last evaluated: 2026-01-23. Review status: criteria provided, single submitter. Criteria: Invitae Variant Classification Sherloc (09022015). Collection method: clinical testing. Allele origin: germline.
Comment: This sequence change falls in intron 27 of the PLEC gene. It does not directly change the encoded amino acid sequence of the PLEC protein. It affects a nucleotide within the consensus splice site. This variant is present in population databases (rs782197467, gnomAD 0.01%). This variant has not been reported in the literature in individuals affected with PLEC-related conditions. ClinVar contains an entry for this variant (Variation ID: 538997). Variants that disrupt the consensus splice site are a relatively common cause of aberrant splicing (PMID: 17576681, 9536098). Algorithms developed to predict the effect of sequence changes on RNA splicing suggest that this variant is not likely to affect RNA splicing. In summary, the available evidence is currently insufficient to determine the role of this variant in disease. Therefore, it has been classified as a Variant of Uncertain Significance.

Athena Diagnostics
Classification: Uncertain significance. Last evaluated: 2025-02-24. Review status: criteria provided, single submitter. Criteria: Athena Diagnostics Criteria. Collection method: clinical testing. Allele origin: unknown.
Comment: Available data are insufficient to determine the clinical significance of the variant at this time. The frequency of this variant in the general population is uninformative in assessment of its pathogenicity. Computational tools yielded predictions that this variant is unlikely to have an effect on normal RNA splicing.

Literature cited by the submitters: PubMed 17576681 (cited by Labcorp Genetics (formerly Invitae), Labcorp); PubMed 9536098 (cited by Labcorp Genetics (formerly Invitae), Labcorp).